The following is an entry in ClinVar:

ClinVar aggregate classification (germline): Likely benign. Review status: criteria provided, multiple submitters, no conflicts (2 of 4 stars). 4 submissions from 4 submitters: Likely benign (3). 1 of the submissions does not count toward it. Last evaluated 2025-09-30.

Conditions:
Inborn genetic diseases. Identifiers: MedGen C0950123, MeSH D030342.
X-linked intellectual disability Cabezas type (MRXSC). Also called: Intellectual developmental disorder, X-linked syndromic, Cabezas type; CABEZAS SYNDROME; MENTAL RETARDATION, X-LINKED, SYNDROMIC 15. Identifiers: Orphanet 85289, Orphanet 85293, MedGen C1845861, MONDO:0010306, OMIM 300354.
CUL4B-related disorder. Also called: CUL4B-related condition.

Allele frequency attached by ClinVar (database versions not stated): gnomAD exomes 0.00008 and 0.00002; ESP Exome Variant Server 0.00009; TOPMed 0.00005; ExAC 0.00002; gnomAD 0.00002.
gnomAD v4.1: 86 of 1,155,743 alleles (0.0074%); highest among the groups gnomAD compares: Non-Finnish European, 0.01%; no homozygotes.

Submissions (4):

Labcorp Genetics (formerly Invitae), Labcorp
Classification: Likely benign for X-linked intellectual disability Cabezas type. Last evaluated: 2025-09-30. Review status: criteria provided, single submitter. Criteria: Invitae Variant Classification Sherloc (09022015). Collection method: clinical testing. Allele origin: germline.

Athena Diagnostics
Classification: Likely benign. Last evaluated: 2019-02-08. Review status: criteria provided, single submitter. Criteria: Athena Diagnostics Criteria. Collection method: clinical testing. Allele origin: germline.

Ambry Genetics
Classification: Likely benign for Inborn genetic diseases. Last evaluated: 2016-06-21. Review status: criteria provided, single submitter. Criteria: Ambry Variant Classification Scheme 2023. Collection method: clinical testing. Allele origin: germline.

PreventionGenetics, part of Exact Sciences
Classification: Likely benign for CUL4B-related condition. Last evaluated: 2022-07-20. Review status: no assertion criteria provided. Collection method: clinical testing. Allele origin: germline. Not counted in ClinVar's aggregate classification.
Comment: This variant is classified as likely benign based on ACMG/AMP sequence variant interpretation guidelines (Richards et al. 2015 PMID: 25741868, with internal and published modifications).

NM_001079872.2(CUL4B):c.1722C>T (p.Ile574=)

Gene: CUL4B (cullin 4B; minus strand). Cytogenetic location: Xq24.
Variant type: single nucleotide variant.
Coding change: c.1722C>T on transcript NM_001079872.2 (MANE Select); coding-DNA position 1722, C replaced by T.
Protein change: p.Ile574=; no amino-acid change (isoleucine 574 retained).
Molecular consequence: synonymous variant.
Genome position (GRCh38, 1-based): chrX:120,539,287, G>A on the plus strand (C>T on the coding strand, the complement: CUL4B is on the minus strand). VCF-style: chrX-120539287-G-A. GRCh37 (hg19) VCF-style: chrX-119673142-G-A.
Other names: c.1737C>T, p.Ile579= (NM_001330624.2); c.1188C>T, p.Ile396= (NM_001369145.1); c.1776C>T, p.Ile592= (NM_003588.4).
Identifiers: ClinVar variation 587966 (VCV000587966.11), dbSNP rs142211300, ClinGen allele CA10505507.